The following is an entry in ClinVar:

ClinVar aggregate classification (germline): Uncertain significance. Review status: criteria provided, multiple submitters, no conflicts (2 of 4 stars). 2 submissions from 2 submitters: Uncertain significance (2). Last evaluated 2025-07-18.

Conditions:
Angelman syndrome (AS). Also called: HAPPY PUPPET SYNDROME. Identifiers: Orphanet 72, MedGen C0162635, MONDO:0007113, OMIM 105830. Disease mechanism: loss of function. Inheritance: AS is caused by disruption of maternally imprinted UBE3A located within the 15q11.2-q13 Angelman syndrome/Prader-Willi syndrome (AS/PWS) region., imprinting disorder.

Allele frequency attached by ClinVar (database versions not stated): gnomAD 0.00001; TOPMed 0.00001.
gnomAD v4.1: 1 of 1,613,996 alleles (0.000062%); highest among the groups gnomAD compares: Non-Finnish European, 0.000085%; no homozygotes.

Submissions (2):

GeneDx
Classification: Uncertain significance. Last evaluated: 2025-07-18. Review status: criteria provided, single submitter. Criteria: GeneDx Variant Classification Process June 2021. Collection method: clinical testing. Allele origin: germline. Affected: yes.
Comment: Not observed at significant frequency in large population cohorts (gnomAD); In silico analysis supports that this missense variant has a deleterious effect on protein structure/function; Has not been previously published as pathogenic or benign to our knowledge

Labcorp Genetics (formerly Invitae), Labcorp
Classification: Uncertain significance for Angelman syndrome. Last evaluated: 2025-06-10. Review status: criteria provided, single submitter. Criteria: Invitae Variant Classification Sherloc (09022015). Collection method: clinical testing. Allele origin: germline.
Comment: This sequence change replaces alanine, which is neutral and non-polar, with threonine, which is neutral and polar, at codon 57 of the UBE3A protein (p.Ala57Thr). This variant is not present in population databases (gnomAD no frequency). This variant has not been reported in the literature in individuals affected with UBE3A-related conditions. ClinVar contains an entry for this variant (Variation ID: 2855215). Invitae Evidence Modeling of protein sequence and biophysical properties (such as structural, functional, and spatial information, amino acid conservation, physicochemical variation, residue mobility, and thermodynamic stability) indicates that this missense variant is expected to disrupt UBE3A protein function with a positive predictive value of 95%. In summary, the available evidence is currently insufficient to determine the role of this variant in disease. Therefore, it has been classified as a Variant of Uncertain Significance.

NM_130839.5(UBE3A):c.229G>A (p.Ala77Thr)

Genes: SNHG14 (small nucleolar RNA host gene 14; plus strand), UBE3A (ubiquitin protein ligase E3A; minus strand). Cytogenetic location: 15q11.2.
Variant type: single nucleotide variant.
Coding change: c.229G>A on transcript NM_130839.5 (MANE Select); coding-DNA position 229, G replaced by A.
Protein change: p.Ala77Thr; replaces alanine 77 with threonine.
Molecular consequence: missense variant. On other transcripts: non-coding transcript variant (1).
Genome position (GRCh38, 1-based): chr15:25,375,597, C>T on the plus strand (G>A on the coding strand, the complement: UBE3A is on the minus strand). VCF-style: chr15-25375597-C-T. GRCh37 (hg19) VCF-style: chr15-25620744-C-T.
Other names: c.238G>A, p.Ala80Thr (NM_000462.5); c.229G>A, p.Ala77Thr (NM_001354505.1, NM_001354538.2, NM_001354545.2 and 1 more transcripts); c.169G>A, p.Ala57Thr (NM_001354506.2, NM_001354507.2, NM_001354508.2 and 18 more transcripts); c.52G>A, p.Ala18Thr (NM_001354546.2); short protein forms A80T, A18T, A77T, A57T.
Identifiers: ClinVar variation 2855215 (VCV002855215.4), dbSNP rs2081077265, ClinGen allele CA391356343.